The following is an entry in ClinVar:

ClinVar aggregate classification (germline): Uncertain significance. Review status: criteria provided, multiple submitters, no conflicts (2 of 4 stars). 2 submissions from 2 submitters: Uncertain significance (2). Last evaluated 2024-12-03.

Conditions:
Inborn genetic diseases. Identifiers: MedGen C0950123, MeSH D030342.
Charcot-Marie-Tooth disease type 4. Also called: Charcot-Marie-Tooth, Type 4; Charcot-Marie-Tooth disease, type IV. Identifiers: Orphanet 64749, MedGen C4082197, MONDO:0018995.

Allele frequency attached by ClinVar (database versions not stated): gnomAD exomes below 0.00001 and 0.00001; TOPMed below 0.00001.
gnomAD v4.1: 4 of 1,614,066 alleles (0.00025%); highest among the groups gnomAD compares: Non-Finnish European, 0.00034%; no homozygotes.

Submissions (2):

Ambry Genetics
Classification: Uncertain significance for Inborn genetic diseases. Last evaluated: 2024-12-03. Review status: criteria provided, single submitter. Criteria: Ambry Variant Classification Scheme 2023. Collection method: clinical testing. Allele origin: germline.

Labcorp Genetics (formerly Invitae), Labcorp
Classification: Uncertain significance for Charcot-Marie-Tooth disease type 4. Last evaluated: 2022-08-13. Review status: criteria provided, single submitter. Criteria: Invitae Variant Classification Sherloc (09022015). Collection method: clinical testing. Allele origin: germline.
Comment: Algorithms developed to predict the effect of missense changes on protein structure and function (SIFT, PolyPhen-2, Align-GVGD) all suggest that this variant is likely to be tolerated. This sequence change replaces glutamic acid, which is acidic and polar, with valine, which is neutral and non-polar, at codon 886 of the PRX protein (p.Glu886Val). The frequency data for this variant in the population databases is considered unreliable, as metrics indicate poor data quality at this position in the gnomAD database. This variant has not been reported in the literature in individuals affected with PRX-related conditions. ClinVar contains an entry for this variant (Variation ID: 1373034). In summary, the available evidence is currently insufficient to determine the role of this variant in disease. Therefore, it has been classified as a Variant of Uncertain Significance.

NM_181882.3(PRX):c.2657A>T (p.Glu886Val)

Gene: PRX (periaxin; minus strand). Cytogenetic location: 19q13.2.
Variant type: single nucleotide variant.
Coding change: c.2657A>T on transcript NM_181882.3 (MANE Select); coding-DNA position 2657, A replaced by T.
Protein change: p.Glu886Val; replaces glutamic acid 886 with valine.
Molecular consequence: missense variant. On other transcripts: 3 prime UTR variant (1).
Genome position (GRCh38, 1-based): chr19:40,395,695, T>A on the plus strand (A>T on the coding strand, the complement: PRX is on the minus strand). VCF-style: chr19-40395695-T-A. GRCh37 (hg19) VCF-style: chr19-40901602-T-A.
Other names: c.*2862A>T (NM_020956.2); c.2657A>T (NM_181882.2); short protein forms E886V.
Identifiers: ClinVar variation 1373034 (VCV001373034.7), dbSNP rs1212378012, ClinGen allele CA405895843.
Genomic context (GRCh38, chr19:40,395,695, plus strand): 5'-GGGGTGACAATTTCAACAGAGGGCACTCGGAAGCCCACTTCCCTGACCCCTGCTGCCACC[T>A]CAGGGCCCTCCACCCGCTCTCCCTTGCCCATTTTAGCGGCTGGGACCTGCCCCTGCAGGC-3'
Protein context (NP_870998.2, residues 876-896): MGKGERVEGP[Glu886Val]VAAGVREVGF